The following is an entry in ClinVar:

ClinVar aggregate classification (germline): Likely benign (1 of 4 stars; one submission).

Allele frequency attached by ClinVar (database versions not stated): 1000 Genomes Project 30x 0.00203; 1000 Genomes Project 0.00220; ExAC 0.00440; TOPMed 0.00467; gnomAD 0.00469; gnomAD exomes 0.00664.
gnomAD v4.1: 9,927 of 1,551,342 alleles (0.64%); highest among the groups gnomAD compares: Non-Finnish European, 0.77%; 42 homozygotes.

Submission:

CeGaT Center for Human Genetics Tuebingen
Classification: Likely benign. Last evaluated: 2023-02-01. Review status: criteria provided, single submitter. Criteria: CeGaT Center For Human Genetics Tuebingen Variant Classification Criteria Version 2. Collection method: clinical testing. Allele origin: germline. Affected: yes. Observed: 1 variant allele.
Comment: TENM2: PP2, BS2

NM_001395460.1(TENM2):c.20G>A (p.Arg7Gln)

Gene: TENM2 (teneurin transmembrane protein 2; plus strand). Cytogenetic location: 5q34.
Variant type: single nucleotide variant.
Coding change: c.20G>A on transcript NM_001395460.1 (MANE Select); coding-DNA position 20, G replaced by A.
Protein change: p.Arg7Gln; replaces arginine 7 with glutamine.
Molecular consequence: missense variant.
Genome position (GRCh38, 1-based): chr5:167,284,857, G>A. VCF-style: chr5-167284857-G-A. GRCh37 (hg19) VCF-style: chr5-166711862-G-A.
Other names: c.20G>A, p.Arg7Gln (NM_001122679.2); short protein forms R7Q.
Identifiers: ClinVar variation 2656025 (VCV002656025.24), dbSNP rs115605129, ClinGen allele CA3546468.
Genomic context (GRCh38, chr5:167,284,857, plus strand): 5'-GACTTTTCTGAAAACATCAGCATTCTGCCATATCTGGAATAATGGATGTAAAGGACCGGC[G>A]ACACCGCTCTTTGACCAGAGGACGCTGTGGCAAAGAGTGTCGCTACACAAGCTCCTCTCT-3'
Protein context (NP_001382389.1, residues 1-17): MDVKDR[Arg7Gln]HRSLTRGRCG